The following is an entry in ClinVar:

NM_001127208.3(TET2):c.3409+42G>T

Genes: TET2 (tet methylcytosine dioxygenase 2; plus strand), TET2-AS1 (TET2 antisense RNA 1; minus strand). Cytogenetic location: 4q24.
Variant type: single nucleotide variant.
Coding change: c.3409+42G>T on transcript NM_001127208.3 (MANE Select); 42 bases into the intron after coding-DNA position 3409, G replaced by T.
Molecular consequence: intron variant. On other transcripts: nonsense (1).
Genome position (GRCh38, 1-based): chr4:105,237,393, G>T. VCF-style: chr4-105237393-G-T. GRCh37 (hg19) VCF-style: chr4-106158550-G-T.
Other names: c.3451G>T, p.Glu1151Ter (NM_017628.4); short protein forms E1151*.
Identifiers: ClinVar variation 135327 (VCV000135327.3), dbSNP rs141975400, ClinGen allele CA162398.
Genomic context (GRCh38, chr4:105,237,393, plus strand): 5'-CCATCTTGCAGATGTGTAGGTAAGTGCCAGAAATGTACTGAGACACATGGCGTTTATCCA[G>T]AATTAGCAAATTTATCTTCAGATATGGGATTTTCCTTCTTTTTTTAAATCTTGAGTCTGG-3'

ClinVar aggregate classification (germline): Uncertain significance. Review status: criteria provided, multiple submitters, no conflicts (2 of 4 stars). 3 submissions from 3 submitters: Uncertain significance (2). 1 of the submissions does not count toward it. Last evaluated 2023-10-03.

Conditions:
Myelodysplastic syndrome (MDS). Also called: Myelodysplastic syndromes; MYELODYSPLASTIC SYNDROME, SUSCEPTIBILITY TO; Myelodysplastic syndrome, somatic. Identifiers: Orphanet 52688, MedGen C3463824, MeSH D009190, MONDO:0018881, OMIM 614286.
Immunodeficiency 75. Also called: IMMUNODEFICIENCY 75 WITH LYMPHOPROLIFERATION. Identifiers: Orphanet 664729, MedGen C5436860, MONDO:0030858, OMIM 619126.

Allele frequency attached by ClinVar (database versions not stated): gnomAD exomes 0.00014 and 0.00062; gnomAD 0.00018 and 0.00024; TOPMed 0.00032; ExAC 0.00057; 1000 Genomes Project 30x 0.00109; 1000 Genomes Project 0.00120.
gnomAD v4.1: 249 of 1,613,998 alleles (0.015%); highest among the groups gnomAD compares: East Asian, 0.44%; 1 homozygote.

Submissions (3):

GeneDx
Classification: Uncertain significance. Last evaluated: 2023-10-03. Review status: criteria provided, single submitter. Criteria: GeneDx Variant Classification Process June 2021. Collection method: clinical testing. Allele origin: germline. Affected: yes.
Comment: Reported as a germline variant in three cases with breast adenocarcinoma and one case with stomach adenocarcinoma (Lu et al., 2015); Nonsense variant predicted to result in protein truncation as the last 15 amino acids are lost in a gene for which loss-of-function is not a known mechanism of disease; Reported using an alternate transcript of the gene; This variant is associated with the following publications: (PMID: 30032569, 24728327, 34465723, 32554069, 26689913, 35173275)

Department of Pathology and Laboratory Medicine, Sinai Health System
Classification: Uncertain significance for Myelodysplastic syndrome; Immunodeficiency 75. Last evaluated: 2022-01-01. Review status: criteria provided, single submitter. Criteria: ACMG Guidelines, 2015. Collection method: research. Allele origin: germline.

ITMI
No classification provided. Condition: AllHighlyPenetrant. Last evaluated: 2013-09-19. Review status: no classification provided. Collection method: reference population. Allele origin: germline. Not counted in ClinVar's aggregate classification.
Comment: Please see associated publication for description of ethnicities

Literature cited by the submitters: PubMed 24728327 (cited by ITMI).